The following is an entry in ClinVar:

ClinVar aggregate classification (germline): Benign/Likely benign. Review status: criteria provided, multiple submitters, no conflicts (2 of 4 stars). 4 submissions from 4 submitters: Benign (1); Likely benign (3). Last evaluated 2026-02-04.

Conditions:
Hermansky-Pudlak syndrome 6 (HPS6). Identifiers: Orphanet 231512, Orphanet 79430, MedGen C3888007, MONDO:0013558, OMIM 614075.

Allele frequency attached by ClinVar (database versions not stated): gnomAD exomes 0.00048 and 0.00074; ESP Exome Variant Server 0.00062; gnomAD 0.00067 and 0.00070; TOPMed 0.00068; ExAC 0.00073.

Submissions (4):

Labcorp Genetics (formerly Invitae), Labcorp
Classification: Likely benign. Last evaluated: 2026-02-04. Review status: criteria provided, single submitter. Criteria: Invitae Variant Classification Sherloc (09022015). Collection method: clinical testing. Allele origin: germline.

Blueprint Genetics
Classification: Likely benign. Last evaluated: 2024-11-15. Review status: criteria provided, single submitter. Criteria: ACMG Guidelines, 2015. Collection method: clinical testing. Allele origin: germline.

Illumina Laboratory Services, Illumina
Classification: Benign for Hermansky-Pudlak syndrome 6. Last evaluated: 2017-05-09. Review status: criteria provided, single submitter. Criteria: ICSL Variant Classification Criteria 13 December 2019. Collection method: clinical testing. Allele origin: germline.
Comment: This variant was observed as part of a predisposition screen in an ostensibly healthy population. A literature search was performed for the gene, cDNA change, and amino acid change (where applicable). No publications were found based on this search. Allele frequency data from public databases was too high to be consistent with this variant causing disease. Therefore, this variant is classified as benign.

Breakthrough Genomics
Classification: Likely benign. Review status: criteria provided, single submitter. Criteria: ACMG Guidelines, 2015. Collection method: not provided. Allele origin: germline. Inheritance: Autosomal recessive inheritance. Affected: yes.

NM_024747.6(HPS6):c.1692C>T (p.Pro564=)

Gene: HPS6 (HPS6 biogenesis of lysosomal organelles complex 2 subunit 3; plus strand). Cytogenetic location: 10q24.32.
Variant type: single nucleotide variant.
Coding change: c.1692C>T on transcript NM_024747.6 (MANE Select); coding-DNA position 1692, C replaced by T.
Protein change: p.Pro564=; no amino-acid change (proline 564 retained).
Molecular consequence: synonymous variant.
Genome position (GRCh38, 1-based): chr10:102,067,166, C>T. VCF-style: chr10-102067166-C-T. GRCh37 (hg19) VCF-style: chr10-103826923-C-T.
Identifiers: ClinVar variation 740138 (VCV000740138.15), dbSNP rs147449083, ClinGen allele CA5660021.